The following is an entry in ClinVar:

NM_000153.4(GALC):c.1152T>G (p.Ile384Met)

Gene: GALC (galactosylceramidase; minus strand). Cytogenetic location: 14q31.3.
Variant type: single nucleotide variant.
Coding change: c.1152T>G on transcript NM_000153.4 (MANE Select); coding-DNA position 1152, T replaced by G.
Protein change: p.Ile384Met; replaces isoleucine 384 with methionine.
Molecular consequence: missense variant. On other transcripts: non-coding transcript variant (1).
Genome position (GRCh38, 1-based): chr14:87,963,393, A>C on the plus strand (T>G on the coding strand, the complement: GALC is on the minus strand). VCF-style: chr14-87963393-A-C. GRCh37 (hg19) VCF-style: chr14-88429737-A-C.
Other names: c.1083T>G, p.Ile361Met (NM_001201401.2); c.1074T>G, p.Ile358Met (NM_001201402.2); c.984T>G, p.Ile328Met (NM_001424071.1, NM_001424072.1, NM_001424073.1); c.804T>G, p.Ile268Met (NM_001424074.1, NM_001424075.1); c.519T>G, p.Ile173Met (NM_001424076.1, NM_001424077.1); short protein forms I173M, I268M, I328M, I358M, I361M, I384M.
Identifiers: ClinVar variation 4819079 (VCV004819079.1).

ClinVar aggregate classification (germline): Uncertain significance (1 of 4 stars; one submission).

Conditions:
Galactosylceramide beta-galactosidase deficiency. Also called: Leukodystrophy, Globoid Cell; Krabbe Disease; GALACTOCEREBROSIDASE DEFICIENCY; GALC DEFICIENCY; GLOBOID CELL LEUKOENCEPHALOPATHY. Identifiers: Orphanet 487, MedGen C0023521, MONDO:0009499, OMIM 245200.

Submission:

Victorian Clinical Genetics Services, Murdoch Childrens Research Institute
Classification: Uncertain significance for Galactosylceramide beta-galactosidase deficiency. Last evaluated: 2026-01-12. Review status: criteria provided, single submitter. Criteria: ACMG Guidelines, 2015. Collection method: clinical testing. Allele origin: germline. Affected: yes.
Comment: This variant is classified as VUS-3B. Evidence in support of pathogenic classification: Variant is absent from gnomAD (v2, v3 and v4); Additional information: Variant is predicted to result in a missense amino acid change from Ile to Met; This variant is heterozygous; This gene is associated with autosomal recessive disease; An alternative amino acid change at the same position are present in gnomAD (highest allele count: v4: 12 heterozygotes, 0 homozygotes); This variant has no previous evidence of pathogenicity; No published evidence of segregation with disease has been identified for this variant; No published functional evidence has been identified for this variant; Another missense variant comparable to the one identified in this case has inconclusive previous evidence for pathogenicity. The p.(Ile384Val) variant has been classified once as a VUS (ClinVar). It should also be noted that the p.(Ile384Thr) missense variant which has a higher Grantham score compared to our variant has been reported with a second variant in trans in two individuals with Krabbe disease (PMID: 20886637; PMID: 30729410); Missense variant with inconclusive in silico prediction and/or uninformative conservation; Loss of function is a known mechanism of disease in this gene and is associated with Krabbe disease (MIM#245200); Variants in this gene are known to have variable expressivity. Disease severity and age of onset can be highly variable (PMID: 33178108).

Literature cited by the submitters: PubMed 33178108; PubMed 30729410; PubMed 20886637.